The following is an entry in ClinVar:

ClinVar aggregate classification (germline): Uncertain significance. Review status: criteria provided, multiple submitters, no conflicts (2 of 4 stars). 2 submissions from 2 submitters: Uncertain significance (2). Last evaluated 2025-04-30.

Conditions:
Macrocephaly, acquired, with impaired intellectual development. Also called: MACROCEPHALY, ACQUIRED, WITH MENTAL RETARDATION. Identifiers: MedGen C4748993, MONDO:0032658, OMIM 618286.
Inborn genetic diseases. Identifiers: MedGen C0950123, MeSH D030342.

Allele frequency attached by ClinVar (database versions not stated): gnomAD exomes below 0.00001; ExAC 0.00001; gnomAD 0.00003; TOPMed 0.00003.
gnomAD v4.1: 5 of 1,614,016 alleles (0.00031%); highest among the groups gnomAD compares: Admixed American, 0.0067%; no homozygotes.

Submissions (2):

Ambry Genetics
Classification: Uncertain significance for Inborn genetic diseases. Last evaluated: 2025-04-30. Review status: criteria provided, single submitter. Criteria: Ambry Variant Classification Scheme 2023. Collection method: clinical testing. Allele origin: germline.

New York Genome Center
Classification: Uncertain significance for Macrocephaly, acquired, with impaired intellectual development. Last evaluated: 2021-01-21. Review status: criteria provided, single submitter. Criteria: NYGC Assertion Criteria 2020. Collection method: clinical testing. Allele origin: inherited. Observed: 1 heterozygote. Study: CSER-NYCKidSeq.
Comment: The inherited heterozygous c.1217A>G (p.Tyr406Cys) variant identified in the NFIB gene has not been reported in affected individuals in the literature. The variant has 0.00002629allele frequencyin the gnomAD(V3) database (4 out of 152154 heterozygous alleles, no homozygotes) indicating itis not a benign variant in the populations represented in that database. The variant affects an evolutionarily conserved residue and is predicted deleterious by multiple in silico prediction tools. Given the lack of compelling evidence for its pathogenicity, the inheritedc.1217A>G (p.Tyr406Cys) variant identified in the NFIB gene of this individual is reported here as a variant of uncertain significance.

NM_001190737.2(NFIB):c.1217A>G (p.Tyr406Cys)

Gene: NFIB (nuclear factor I B; minus strand). Cytogenetic location: 9p23.
Variant type: single nucleotide variant.
Coding change: c.1217A>G on transcript NM_001190737.2 (MANE Select); coding-DNA position 1217, A replaced by G.
Protein change: p.Tyr406Cys; replaces tyrosine 406 with cysteine.
Molecular consequence: missense variant. On other transcripts: non-coding transcript variant (4).
Genome position (GRCh38, 1-based): chr9:14,120,468, T>C on the plus strand (A>G on the coding strand, the complement: NFIB is on the minus strand). VCF-style: chr9-14120468-T-C. GRCh37 (hg19) VCF-style: chr9-14120467-T-C.
Other names: c.1295A>G, p.Tyr432Cys (NM_001190738.2); c.461A>G, p.Tyr154Cys (NM_001282787.2); c.1283A>G, p.Tyr428Cys (NM_001369458.1, NM_001369459.1, NM_001369462.1 and 1 more transcripts); c.1205A>G, p.Tyr402Cys (NM_001369460.1, NM_001369463.1, NM_001369466.1 and 1 more transcripts); c.1217A>G, p.Tyr406Cys (NM_001369461.1, NM_001369464.1, NM_005596.3); c.1190A>G, p.Tyr397Cys (NM_001369465.1, NM_001369467.1, NM_001369476.1); c.1073A>G, p.Tyr358Cys (NM_001369469.1); c.980A>G, p.Tyr327Cys (NM_001369470.1, NM_001369478.1); and 7 more; short protein forms Y154C, Y227C, Y327C, Y331C, Y358C, Y387C, Y397C, Y400C.
Identifiers: ClinVar variation 1341733 (VCV001341733.2), dbSNP rs750060639, ClinGen allele CA4988442.